The following is an entry in ClinVar:

NM_007227.3(GPR45):c.883C>A (p.Arg295Ser)

Gene: GPR45 (G protein-coupled receptor 45; plus strand). Cytogenetic location: 2q12.1.
Variant type: single nucleotide variant.
Coding change: c.883C>A on transcript NM_007227.3 (MANE Select); coding-DNA position 883, C replaced by A.
Protein change: p.Arg295Ser; replaces arginine 295 with serine.
Molecular consequence: missense variant.
Genome position (GRCh38, 1-based): chr2:105,242,741, C>A. VCF-style: chr2-105242741-C-A. GRCh37 (hg19) VCF-style: chr2-105859198-C-A.
Other names: short protein forms R295S.
Identifiers: ClinVar variation 2110102 (VCV002110102.4), dbSNP rs1447888691, ClinGen allele CA348101430.

ClinVar aggregate classification (germline): Uncertain significance (1 of 4 stars; one submission).

Allele frequency attached by ClinVar (database versions not stated): TOPMed 0.00001.
gnomAD v4.1: 9 of 1,613,772 alleles (0.00056%); highest among the groups gnomAD compares: Non-Finnish European, 0.00076%; no homozygotes.

Submission:

Labcorp Genetics (formerly Invitae), Labcorp
Classification: Uncertain significance. Last evaluated: 2025-03-17. Review status: criteria provided, single submitter. Criteria: Invitae Variant Classification Sherloc (09022015). Collection method: clinical testing. Allele origin: germline.
Comment: This sequence change replaces arginine, which is basic and polar, with serine, which is neutral and polar, at codon 295 of the GPR45 protein (p.Arg295Ser). This variant is not present in population databases (gnomAD no frequency). This variant has not been reported in the literature in individuals affected with GPR45-related conditions. ClinVar contains an entry for this variant (Variation ID: 2110102). An algorithm developed to predict the effect of missense changes on protein structure and function outputs the following: PolyPhen-2: "Benign". The serine amino acid residue is found in multiple mammalian species, which suggests that this missense change does not adversely affect protein function. In summary, the available evidence is currently insufficient to determine the role of this variant in disease. Therefore, it has been classified as a Variant of Uncertain Significance.